The following is an entry in ClinVar:

NM_016379.4(VCX3A):c.15G>C (p.Pro5=)

Genes: VCX3A (variable charge X-linked 3A; minus strand), LOC106029240 (S232-VCX3A recombination region; plus strand). Cytogenetic location: Xp22.31.
Variant type: single nucleotide variant.
Coding change: c.15G>C on transcript NM_016379.4 (MANE Select); coding-DNA position 15, G replaced by C.
Protein change: p.Pro5=; no amino-acid change (proline 5 retained).
Molecular consequence: synonymous variant.
Genome position (GRCh38, 1-based): chrX:6,534,483, C>G on the plus strand (G>C on the coding strand, the complement: VCX3A is on the minus strand). VCF-style: chrX-6534483-C-G. GRCh37 (hg19) VCF-style: chrX-6452524-C-G.
Identifiers: ClinVar variation 3056669 (VCV003056669.2), dbSNP rs775594438, ClinGen allele CA10341659.

ClinVar aggregate classification (germline): Likely benign (0 of 4 stars; one submission).

Conditions:
VCX3A-related disorder. Also called: VCX3A-related condition.

Submission:

PreventionGenetics, part of Exact Sciences
Classification: Likely benign for VCX3A-related condition. Last evaluated: 2022-12-07. Review status: no assertion criteria provided. Collection method: clinical testing. Allele origin: germline.
Comment: This variant is classified as likely benign based on ACMG/AMP sequence variant interpretation guidelines (Richards et al. 2015 PMID: 25741868, with internal and published modifications).